The following is an entry in ClinVar:

ClinVar aggregate classification (germline): Uncertain significance. Review status: criteria provided, multiple submitters, no conflicts (2 of 4 stars). 3 submissions from 3 submitters: Uncertain significance (3). Last evaluated 2024-10-29.

Allele frequency attached by ClinVar (database versions not stated): gnomAD 0.00004; gnomAD exomes 0.00005 and 0.00011; TOPMed 0.00005; 1000 Genomes Project 30x 0.00016; ExAC 0.00029.
gnomAD v4.1: 84 of 1,564,240 alleles (0.0054%); highest among the groups gnomAD compares: South Asian, 0.042%; no homozygotes.

Submissions (3):

Labcorp Genetics (formerly Invitae), Labcorp
Classification: Uncertain significance. Last evaluated: 2024-10-29. Review status: criteria provided, single submitter. Criteria: Invitae Variant Classification Sherloc (09022015). Collection method: clinical testing. Allele origin: germline.
Comment: This sequence change replaces alanine, which is neutral and non-polar, with valine, which is neutral and non-polar, at codon 611 of the FUK protein (p.Ala611Val). This variant is present in population databases (rs763316882, gnomAD 0.06%), and has an allele count higher than expected for a pathogenic variant. This variant has not been reported in the literature in individuals affected with FUK-related conditions. ClinVar contains an entry for this variant (Variation ID: 1682379). An algorithm developed to predict the effect of missense changes on protein structure and function (PolyPhen-2) suggests that this variant is likely to be disruptive. In summary, the available evidence is currently insufficient to determine the role of this variant in disease. Therefore, it has been classified as a Variant of Uncertain Significance.

Ambry Genetics
Classification: Uncertain significance. Last evaluated: 2022-01-05. Review status: criteria provided, single submitter. Criteria: Ambry Variant Classification Scheme 2023. Collection method: clinical testing. Allele origin: germline.

Breakthrough Genomics
Classification: Uncertain significance. Review status: criteria provided, single submitter. Criteria: ACMG Guidelines, 2015. Collection method: not provided. Allele origin: germline. Inheritance: Autosomal recessive inheritance. Affected: yes.

NM_145059.3(FCSK):c.1832C>T (p.Ala611Val)

Gene: FCSK (fucose kinase; plus strand). Cytogenetic location: 16q22.1.
Variant type: single nucleotide variant.
Coding change: c.1832C>T on transcript NM_145059.3 (MANE Select); coding-DNA position 1832, C replaced by T.
Protein change: p.Ala611Val; replaces alanine 611 with valine.
Molecular consequence: missense variant.
Genome position (GRCh38, 1-based): chr16:70,474,183, C>T. VCF-style: chr16-70474183-C-T. GRCh37 (hg19) VCF-style: chr16-70508086-C-T.
Other names: c.1832C>T (NM_145059.2); short protein forms A611V.
Identifiers: ClinVar variation 1682379 (VCV001682379.8), dbSNP rs763316882, ClinGen allele CA8143426.
Genomic context (GRCh38, chr16:70,474,183, plus strand): 5'-CCTCAGTTGCAGCTGGGGCAGGAGACCCTGGTGTGGCGGCACGGGCACTGGCCTGTGTGG[C>T]GGACGTCCTGGGCTGCATGGCAGAGGGCCGTGGGGGCTTGCGGAGCGGGCCAGCTGCCAA-3'
Protein context (NP_659496.2, residues 601-621): GVAARALACV[Ala611Val]DVLGCMAEGR